The following is an entry in ClinVar:

ClinVar aggregate classification (germline): Benign (1 of 4 stars; one submission).

Conditions:
Leigh syndrome (NULS). Also called: Leigh's necrotizing encephalopathy; Leigh's disease; Leigh Syndrome (mtDNA deletion); Leigh Disease; Subacute necrotizing encephalopathy; Necrotizing encephalopathy infantile subacute of Leigh. Identifiers: Orphanet 506, MedGen C2931891, MONDO:0009723, OMIM 256000.

Submission:

Wong Mito Lab, Molecular and Human Genetics, Baylor College of Medicine
Classification: Benign for Leigh syndrome. Last evaluated: 2019-10-17. Review status: criteria provided, single submitter. Criteria: Modified ACMG Guidelines (Unpublished). Collection method: clinical testing. Allele origin: germline.
Comment: The NC_012920.1:m.8668T>C (YP_003024031.1:p.Trp48Arg) variant in MTATP6 gene is interpretated to be a Benign variant based on the modified ACMG guidelines (unpublished). This variant meets the following evidence codes: BS1, BS2

NC_012920.1(MT-ATP6):m.8668T>C

Gene: MT-ATP6 (mitochondrially encoded ATP synthase 6; plus strand).
Variant type: single nucleotide variant.
Genome position: chrM-8668-T-C.
Identifiers: ClinVar variation 692947 (VCV000692947.1), dbSNP rs1603221688, ClinGen allele CA414797290.
Genomic context (GRCh38, chrMT:8,668, plus strand): 5'-CCTCTATTGATCCCCACCTCCAAATATCTCATCAACAACCGACTAATCACCACCCAACAA[T>C]GACTAATCAAACTAACCTCAAAACAAATGATAACCATACACAACACTAAAGGACGAACCT-3'